The following is an entry in ClinVar:

ClinVar aggregate classification (germline): Likely benign (1 of 4 stars; one submission).

Submission:

Biesecker Lab/Clinical Genomics Section, National Institutes of Health
Classification: Likely benign. Last evaluated: 2013-06-24. Review status: criteria provided, single submitter. Criteria: Ng et al. (Circ Cardiovasc Genet. 2013). Collection method: research. Allele origin: unknown. Observed: 2 variant alleles. Study: ClinSeq.
Comment: The study set was not selected for affection status in relation to any cancer. Pathogenicity categories were based on literature curation. See Pubmed ID:23861362 for details.

Medical sequencing

NM_001267550.2(TTN):c.91172A>C (p.Glu30391Ala)

Genes: TTN (titin; minus strand), TTN-AS1 (TTN antisense RNA 1; plus strand). Cytogenetic location: 2q31.2.
Variant type: single nucleotide variant.
Coding change: c.91172A>C on transcript NM_001267550.2 (MANE Select); coding-DNA position 91172, A replaced by C.
Protein change: p.Glu30391Ala; replaces glutamic acid 30391 with alanine.
Molecular consequence: missense variant.
Genome position (GRCh38, 1-based): chr2:178,551,728, T>G on the plus strand (A>C on the coding strand, the complement: TTN is on the minus strand). VCF-style: chr2-178551728-T-G. GRCh37 (hg19) VCF-style: chr2-179416455-T-G.
Other names: c.86249A>C, p.Glu28750Ala (NM_001256850.1); c.63977A>C, p.Glu21326Ala (NM_003319.4); c.83468A>C, p.Glu27823Ala (NM_133378.4); c.64352A>C, p.Glu21451Ala (NM_133432.3); c.64553A>C, p.Glu21518Ala (NM_133437.4); short protein forms E27823A, E30391A, E21326A, E28750A, E21451A, E21518A.
Identifiers: ClinVar variation 192144 (VCV000192144.1), dbSNP rs786205369, ClinGen allele CA238459.